The following is an entry in ClinVar:

NM_019042.5(PUS7):c.1597G>A (p.Gly533Ser)

Gene: PUS7 (pseudouridine synthase 7; minus strand). Cytogenetic location: 7q22.3.
Variant type: single nucleotide variant.
Coding change: c.1597G>A on transcript NM_019042.5 (MANE Select); coding-DNA position 1597, G replaced by A.
Protein change: p.Gly533Ser; replaces glycine 533 with serine.
Molecular consequence: missense variant.
Genome position (GRCh38, 1-based): chr7:105,465,343, C>T on the plus strand (G>A on the coding strand, the complement: PUS7 is on the minus strand). VCF-style: chr7-105465343-C-T. GRCh37 (hg19) VCF-style: chr7-105105790-C-T.
Other names: c.1615G>A, p.Gly539Ser (NM_001318163.1); c.1597G>A, p.Gly533Ser (NM_001318164.2); short protein forms G533S, G539S.
Identifiers: ClinVar variation 2574508 (VCV002574508.1), dbSNP rs2484814879, ClinGen allele CA368787031.

ClinVar aggregate classification (germline): Uncertain significance (1 of 4 stars; one submission).

Submission:

GeneDx
Classification: Uncertain significance. Last evaluated: 2023-01-30. Review status: criteria provided, single submitter. Criteria: GeneDx Variant Classification Process June 2021. Collection method: clinical testing. Allele origin: germline. Affected: yes.
Comment: Not observed at significant frequency in large population cohorts (gnomAD); In silico analysis supports that this missense variant has a deleterious effect on protein structure/function; Has not been previously published as pathogenic or benign to our knowledge